The following is an entry in ClinVar:

NM_006254.4(PRKCD):c.389C>T (p.Ser130Phe)

Gene: PRKCD (protein kinase C delta; plus strand). Cytogenetic location: 3p21.1.
Variant type: single nucleotide variant.
Coding change: c.389C>T on transcript NM_006254.4 (MANE Select); coding-DNA position 389, C replaced by T.
Protein change: p.Ser130Phe; replaces serine 130 with phenylalanine.
Molecular consequence: missense variant.
Genome position (GRCh38, 1-based): chr3:53,181,456, C>T. VCF-style: chr3-53181456-C-T. GRCh37 (hg19) VCF-style: chr3-53215472-C-T.
Other names: c.389C>T, p.Ser130Phe (NM_001316327.2, NM_001354679.2, NM_001354680.2 and 1 more transcripts); c.446C>T, p.Ser149Phe (NM_001354676.2); c.437C>T, p.Ser146Phe (NM_001354678.2); short protein forms S130F, S146F, S149F.
Identifiers: ClinVar variation 2180695 (VCV002180695.5), dbSNP rs79252610, ClinGen allele CA2451786.

ClinVar aggregate classification (germline): Uncertain significance. Review status: criteria provided, multiple submitters, no conflicts (2 of 4 stars). 2 submissions from 2 submitters: Uncertain significance (2). Last evaluated 2025-11-03.

Conditions:
Autoimmune lymphoproliferative syndrome, type III caused by mutation in PRKCD. Identifiers: Orphanet 3261, Orphanet 664711, MedGen C3809928, MONDO:8000024, OMIM 615559.

Allele frequency attached by ClinVar (database versions not stated): gnomAD 0.00001; gnomAD exomes 0.00002; TOPMed 0.00004; ExAC 0.00012.
gnomAD v4.1: 25 of 1,614,082 alleles (0.0015%); highest among the groups gnomAD compares: East Asian, 0.053%; 1 homozygote.

Submissions (2):

Labcorp Genetics (formerly Invitae), Labcorp
Classification: Uncertain significance for Autoimmune lymphoproliferative syndrome, type III caused by mutation in PRKCD. Last evaluated: 2025-11-03. Review status: criteria provided, single submitter. Criteria: Invitae Variant Classification Sherloc (09022015). Collection method: clinical testing. Allele origin: germline.
Comment: This sequence change replaces serine, which is neutral and polar, with phenylalanine, which is neutral and non-polar, at codon 130 of the PRKCD protein (p.Ser130Phe). This variant is present in population databases (rs79252610, gnomAD 0.2%), including at least one homozygous and/or hemizygous individual. This variant has not been reported in the literature in individuals affected with PRKCD-related conditions. ClinVar contains an entry for this variant (Variation ID: 2180695). An algorithm developed to predict the effect of missense changes on protein structure and function (PolyPhen-2) suggests that this variant is likely to be tolerated. Experimental studies are conflicting or provide insufficient evidence to determine the effect of this variant on PRKCD function (PMID: 26546672). In summary, the available evidence is currently insufficient to determine the role of this variant in disease. Therefore, it has been classified as a Variant of Uncertain Significance.

Juno Genomics, Hangzhou Juno Genomics, Inc
Classification: Uncertain significance for Autoimmune lymphoproliferative syndrome, type III caused by mutation in PRKCD. Review status: criteria provided, single submitter. Criteria: ACMG Guidelines, 2015. Collection method: clinical testing. Allele origin: germline.
Comment: Absent from controls (or at extremely low frequency if recessive) in Genome Aggregation Database.;Missense variant in a gene that has a low rate of benign missense variation.;Well-established in vitro or in vivo functional studies supportive of a damaging effect on the gene or gene product.

Literature cited by the submitters: PubMed 26546672 (cited by Labcorp Genetics (formerly Invitae), Labcorp).